The following is an entry in ClinVar:

NM_000379.4(XDH):c.3871G>A (p.Val1291Met)

Gene: XDH (xanthine dehydrogenase; minus strand). Cytogenetic location: 2p23.1.
Variant type: single nucleotide variant.
Coding change: c.3871G>A on transcript NM_000379.4 (MANE Select); coding-DNA position 3871, G replaced by A.
Protein change: p.Val1291Met; replaces valine 1291 with methionine.
Molecular consequence: missense variant.
Genome position (GRCh38, 1-based): chr2:31,337,721, C>T on the plus strand (G>A on the coding strand, the complement: XDH is on the minus strand). VCF-style: chr2-31337721-C-T. GRCh37 (hg19) VCF-style: chr2-31560587-C-T.
Other names: short protein forms V1291M.
Identifiers: ClinVar variation 858637 (VCV000858637.10), dbSNP rs191740294, ClinGen allele CA1598232.

ClinVar aggregate classification (germline): Uncertain significance. Review status: criteria provided, multiple submitters, no conflicts (2 of 4 stars). 4 submissions from 4 submitters: Uncertain significance (4). Last evaluated 2025-03-11.

Conditions:
XDH-related disorder. Also called: XDH-related condition.
Xanthinuria type II. Also called: Xanthine dehydrogenase and aldehyde oxidase combined deficiency of; XDH and AOX dual deficiency. Identifiers: Orphanet 3467, Orphanet 93602, MedGen C1863688, MONDO:0011346, OMIM 603592.
Inborn genetic diseases. Identifiers: MedGen C0950123, MeSH D030342.
Hereditary xanthinuria type 1 (XAN1). Identifiers: Orphanet 3467, Orphanet 93601, MedGen C0268118, MONDO:0010209, OMIM 278300.

Allele frequency attached by ClinVar (database versions not stated): gnomAD exomes 0.00007 and 0.00026; ExAC 0.00011; 1000 Genomes Project 0.00020; 1000 Genomes Project 30x 0.00031; gnomAD 0.00044 and 0.00045; TOPMed 0.00047.
gnomAD v4.1: 176 of 1,614,196 alleles (0.011%); highest among the groups gnomAD compares: Admixed American, 0.21%; no homozygotes.

Submissions (4):

PreventionGenetics, part of Exact Sciences
Classification: Uncertain significance for XDH-related condition. Last evaluated: 2025-03-11. Review status: criteria provided, single submitter. Criteria: ACMG Guidelines, 2015. Collection method: clinical testing. Allele origin: germline.
Comment: The XDH c.3871G>A variant is predicted to result in the amino acid substitution p.Val1291Met. To our knowledge, this variant has not been reported in the literature. This variant is reported in 0.15% of alleles in individuals of Latino descent in gnomAD. Although we suspect that this variant may be benign, at this time, the clinical significance of this variant is uncertain due to the absence of conclusive functional and genetic evidence.

Labcorp Genetics (formerly Invitae), Labcorp
Classification: Uncertain significance for Xanthinuria type II. Last evaluated: 2023-09-21. Review status: criteria provided, single submitter. Criteria: Invitae Variant Classification Sherloc (09022015). Collection method: clinical testing. Allele origin: germline.
Comment: This sequence change replaces valine, which is neutral and non-polar, with methionine, which is neutral and non-polar, at codon 1291 of the XDH protein (p.Val1291Met). This variant is present in population databases (rs191740294, gnomAD 0.1%). This variant has not been reported in the literature in individuals affected with XDH-related conditions. ClinVar contains an entry for this variant (Variation ID: 858637). Algorithms developed to predict the effect of missense changes on protein structure and function output the following: SIFT: "Not Available"; PolyPhen-2: "Benign"; Align-GVGD: "Not Available". The methionine amino acid residue is found in multiple mammalian species, which suggests that this missense change does not adversely affect protein function. In summary, the available evidence is currently insufficient to determine the role of this variant in disease. Therefore, it has been classified as a Variant of Uncertain Significance.

Fulgent Genetics
Classification: Uncertain significance for Hereditary xanthinuria type 1. Last evaluated: 2022-02-15. Review status: criteria provided, single submitter. Criteria: ACMG Guidelines, 2015. Collection method: clinical testing. Allele origin: unknown.

Ambry Genetics
Classification: Uncertain significance for Inborn genetic diseases. Last evaluated: 2022-01-04. Review status: criteria provided, single submitter. Criteria: Ambry Variant Classification Scheme 2023. Collection method: clinical testing. Allele origin: germline.